The following is an entry in ClinVar:

NC_000001.10:g.(?_216405285)_(216424450_?)dup

Gene: USH2A (usherin; minus strand). Cytogenetic location: 1q41.
Variant type: Duplication.
Identifiers: ClinVar variation 2427754 (VCV002427754.3).

ClinVar aggregate classification (germline): Likely pathogenic (1 of 4 stars; one submission).

Submission:

Labcorp Genetics (formerly Invitae), Labcorp
Classification: Likely pathogenic. Last evaluated: 2022-03-11. Review status: criteria provided, single submitter. Criteria: Invitae Variant Classification Sherloc (09022015). Collection method: clinical testing. Allele origin: germline.
Comment: In summary, the currently available evidence indicates that the variant is pathogenic, but additional data are needed to prove that conclusively. Therefore, this variant has been classified as Likely Pathogenic. This variant has not been reported in the literature in individuals affected with USH2A-related conditions. This variant results in a copy number gain of the genomic region encompassing exon(s) 12-14 of the USH2A gene. While the exact position of this variant cannot be determined from the data, sub-genic copy number gains are generally in tandem (PMID: 25640679). This variant is predicted to be out-of-frame, and may result in an absent or disrupted protein product. Loss-of-function variants in USH2A are known to be pathogenic (PMID: 10729113, 10909849, 20507924, 25649381).

Literature cited by the submitters: PubMed 25640679; PubMed 10729113; PubMed 10909849; PubMed 20507924; PubMed 25649381.